The following is an entry in ClinVar:

NM_001110556.2(FLNA):c.7221C>G (p.Asn2407Lys)

Gene: FLNA (filamin A; minus strand). Cytogenetic location: Xq28.
Variant type: single nucleotide variant.
Coding change: c.7221C>G on transcript NM_001110556.2 (MANE Select); coding-DNA position 7221, C replaced by G.
Protein change: p.Asn2407Lys; replaces asparagine 2407 with lysine.
Molecular consequence: missense variant.
Genome position (GRCh38, 1-based): chrX:154,350,143, G>C on the plus strand (C>G on the coding strand, the complement: FLNA is on the minus strand). VCF-style: chrX-154350143-G-C. GRCh37 (hg19) VCF-style: chrX-153578511-G-C.
Other names: c.7197C>G, p.Asn2399Lys (NM_001456.4); short protein forms N2399K, N2407K.
Identifiers: ClinVar variation 1384531 (VCV001384531.8), dbSNP rs782129907, ClinGen allele CA415184058.

ClinVar aggregate classification (germline): Uncertain significance (1 of 4 stars; one submission).

Conditions:
Heterotopia, periventricular, X-linked dominant (PVNH1). Also called: PERIVENTRICULAR NODULAR HETEROTOPIA 4; HETEROTOPIA, PERIVENTRICULAR, 1; PERIVENTRICULAR NODULAR HETEROTOPIA 1; X-linked periventricular heterotopia. Identifiers: Orphanet 2149, Orphanet 82004, MedGen C1848213, MONDO:0010233, OMIM 300049.
Melnick-Needles syndrome (MNS). Also called: MELNICK-NEEDLES OSTEODYSPLASTY; OSTEODYSPLASTY OF MELNICK AND NEEDLES; Melnick-Needles Syndrome (FLNA-MNS). Identifiers: Orphanet 2484, MedGen C0025237, MONDO:0010650, OMIM 309350.
Frontometaphyseal dysplasia (FMD1). Identifiers: Orphanet 1826, MedGen C0265293, MONDO:0015942.
Oto-palato-digital syndrome, type II (OPD2). Also called: FACIOPALATOOSSEOUS SYNDROME; OPD II SYNDROME; Otopalatodigital Syndrome, Type II; Otopalatodigital Syndrome Type 2 (FLNA-OPD2). Identifiers: Orphanet 669, Orphanet 90652, MedGen C1844696, MONDO:0010571, OMIM 304120.

Submission:

Labcorp Genetics (formerly Invitae), Labcorp
Classification: Uncertain significance for Oto-palato-digital syndrome, type II; Heterotopia, periventricular, X-linked dominant; Frontometaphyseal dysplasia; Melnick-Needles syndrome. Last evaluated: 2021-04-03. Review status: criteria provided, single submitter. Criteria: Invitae Variant Classification Sherloc (09022015). Collection method: clinical testing. Allele origin: germline.
Comment: This sequence change replaces asparagine with lysine at codon 2399 of the FLNA protein (p.Asn2399Lys). The asparagine residue is highly conserved and there is a moderate physicochemical difference between asparagine and lysine. In summary, the available evidence is currently insufficient to determine the role of this variant in disease. Therefore, it has been classified as a Variant of Uncertain Significance. Advanced modeling of protein sequence and biophysical properties (such as structural, functional, and spatial information, amino acid conservation, physicochemical variation, residue mobility, and thermodynamic stability) performed at Invitae indicates that this missense variant is not expected to disrupt FLNA protein function. This variant has not been reported in the literature in individuals with FLNA-related conditions. This variant is not present in population databases (ExAC no frequency).